The following is an entry in ClinVar:

NM_001375524.1(TRRAP):c.5027G>A (p.Arg1676His)

Genes: TRRAP (transformation/transcription domain associated protein; plus strand), LOC126860121 (MED14-independent group 3 enhancer GRCh37_chr7:98547245-98548444; plus strand). Cytogenetic location: 7q22.1.
Variant type: single nucleotide variant.
Coding change: c.5027G>A on transcript NM_001375524.1 (MANE Select); coding-DNA position 5027, G replaced by A.
Protein change: p.Arg1676His; replaces arginine 1676 with histidine.
Molecular consequence: missense variant.
Genome position (GRCh38, 1-based): chr7:98,949,733, G>A. VCF-style: chr7-98949733-G-A. GRCh37 (hg19) VCF-style: chr7-98547356-G-A.
Other names: NC_000007.13:g.98547356G>A; c.5006G>A, p.Arg1669His (NM_001244580.2); c.4952G>A, p.Arg1651His (NM_003496.4); short protein forms R1669H, R1676H, R1651H.
Identifiers: ClinVar variation 4341183 (VCV004341183.2).

ClinVar aggregate classification (germline): Uncertain significance (1 of 4 stars; one submission).

gnomAD v4.1: 83 of 1,613,868 alleles (0.0051%); highest among the groups gnomAD compares: African/African-American, 0.0067%; no homozygotes.

Submissions (2):

Labcorp Genetics (formerly Invitae), Labcorp
Classification: Uncertain significance. Last evaluated: 2025-08-10. Review status: criteria provided, single submitter. Criteria: Invitae Variant Classification Sherloc (09022015). Collection method: clinical testing. Allele origin: germline.
Comment: This sequence change replaces arginine, which is basic and polar, with histidine, which is basic and polar, at codon 1651 of the TRRAP protein (p.Arg1651His). This variant is present in population databases (rs373632999, gnomAD 0.01%). This variant has not been reported in the literature in individuals affected with TRRAP-related conditions. Invitae Evidence Modeling of protein sequence and biophysical properties (such as structural, functional, and spatial information, amino acid conservation, physicochemical variation, residue mobility, and thermodynamic stability) indicates that this missense variant is not expected to disrupt TRRAP protein function with a negative predictive value of 80%. In summary, the available evidence is currently insufficient to determine the role of this variant in disease. Therefore, it has been classified as a Variant of Uncertain Significance.

Dr. Peter K. Rogan Lab, Western University
No classification provided (evidence only). Condition: Familial cancer of breast. Review status: no classification provided. Collection method: in vitro. Allele origin: not applicable. Functional consequence: retained intron. Not counted in ClinVar's aggregate classification.